The following is an entry in ClinVar:

ClinVar aggregate classification (germline): Likely benign. Review status: criteria provided, multiple submitters, no conflicts (2 of 4 stars). 2 submissions from 2 submitters: Likely benign (2). Last evaluated 2025-11-09.

Conditions:
Tuberous sclerosis 2 (TSC2). Identifiers: Orphanet 805, MedGen C1860707, MONDO:0013199, OMIM 613254.

Allele frequency attached by ClinVar (database versions not stated): gnomAD exomes below 0.00001 and 0.00001; ExAC 0.00001; gnomAD 0.00001; TOPMed 0.00001.
gnomAD v4.1: 4 of 1,604,882 alleles (0.00025%); highest among the groups gnomAD compares: East Asian, 0.0067%; no homozygotes.

Submissions (2):

Labcorp Genetics (formerly Invitae), Labcorp
Classification: Likely benign for Tuberous sclerosis 2. Last evaluated: 2025-11-09. Review status: criteria provided, single submitter. Criteria: Invitae Variant Classification Sherloc (09022015). Collection method: clinical testing. Allele origin: germline.

Myriad Genetics, Inc.
Classification: Likely benign for Tuberous sclerosis 2. Last evaluated: 2025-05-16. Review status: criteria provided, single submitter. Criteria: Myriad Autosomal Dominant, Autosomal Recessive and X-Linked Classification Criteria (2023). Collection method: clinical testing. Allele origin: unknown.
Comment: This variant is considered likely benign. This variant is intronic and is not expected to impact mRNA splicing.

NM_000548.5(TSC2):c.1947-10G>A

Gene: TSC2 (TSC complex subunit 2; plus strand). Cytogenetic location: 16p13.3.
Variant type: single nucleotide variant.
Coding change: c.1947-10G>A on transcript NM_000548.5 (MANE Select); 10 bases into the intron before coding-DNA position 1947, G replaced by A.
Molecular consequence: intron variant.
Genome position (GRCh38, 1-based): chr16:2,071,774, G>A. VCF-style: chr16-2071774-G-A. GRCh37 (hg19) VCF-style: chr16-2121775-G-A.
Other names: c.1947-10G>A (NM_001114382.3, NM_021055.3, NM_001370405.1 and 3 more transcripts); c.1836-10G>A (NM_001318827.2); c.1347-10G>A (NM_001318831.2); c.1800-10G>A (NM_001318829.2); c.1980-10G>A (NM_001318832.2).
Identifiers: ClinVar variation 467910 (VCV000467910.9), dbSNP rs778293037, ClinGen allele CA035015.